The following is an entry in ClinVar:

ClinVar aggregate classification (germline): Likely benign (0 of 4 stars; one submission).

Conditions:
ZFHX4-related disorder. Also called: ZFHX4-related condition.

Allele frequency attached by ClinVar (database versions not stated): gnomAD exomes 0.00001; ExAC 0.00002; gnomAD 0.00005; TOPMed 0.00011.
gnomAD v4.1: 16 of 1,613,920 alleles (0.00099%); highest among the groups gnomAD compares: African/African-American, 0.016%; no homozygotes.

Submission:

PreventionGenetics, part of Exact Sciences
Classification: Likely benign for ZFHX4-related condition. Last evaluated: 2019-05-31. Review status: no assertion criteria provided. Collection method: clinical testing. Allele origin: germline.
Comment: This variant is classified as likely benign based on ACMG/AMP sequence variant interpretation guidelines (Richards et al. 2015 PMID: 25741868, with internal and published modifications).

NM_024721.5(ZFHX4):c.609A>G (p.Lys203=)

Gene: ZFHX4 (zinc finger homeobox 4; plus strand). Cytogenetic location: 8q21.13.
Variant type: single nucleotide variant.
Coding change: c.609A>G on transcript NM_024721.5 (MANE Select); coding-DNA position 609, A replaced by G.
Protein change: p.Lys203=; no amino-acid change (lysine 203 retained).
Molecular consequence: synonymous variant.
Genome position (GRCh38, 1-based): chr8:76,704,697, A>G. VCF-style: chr8-76704697-A-G. GRCh37 (hg19) VCF-style: chr8-77616932-A-G.
Other names: c.609A>G, p.Lys203= (NM_001410934.1).
Identifiers: ClinVar variation 3043988 (VCV003043988.2), dbSNP rs751723912, ClinGen allele CA4786667.